The following is an entry in ClinVar:

NM_001292063.2(OTOG):c.7022T>C (p.Met2341Thr)

Gene: OTOG (otogelin; plus strand). Cytogenetic location: 11p15.1.
Variant type: single nucleotide variant.
Coding change: c.7022T>C on transcript NM_001292063.2 (MANE Select); coding-DNA position 7022, T replaced by C.
Protein change: p.Met2341Thr; replaces methionine 2341 with threonine.
Molecular consequence: missense variant.
Genome position (GRCh38, 1-based): chr11:17,632,176, T>C. VCF-style: chr11-17632176-T-C. GRCh37 (hg19) VCF-style: chr11-17653723-T-C.
Other names: c.7058T>C, p.Met2353Thr (NM_001277269.2); short protein forms M2341T, M2353T.
Identifiers: ClinVar variation 3252270 (VCV003252270.1), dbSNP rs997356132.

ClinVar aggregate classification (germline): Uncertain significance (1 of 4 stars; one submission).

Allele frequency attached by ClinVar (database versions not stated): gnomAD exomes 0.00001.
gnomAD v4.1: 10 of 1,551,150 alleles (0.00064%); highest among the groups gnomAD compares: South Asian, 0.0083%; no homozygotes.

Submission:

GeneDx
Classification: Uncertain significance. Last evaluated: 2023-08-08. Review status: criteria provided, single submitter. Criteria: GeneDx Variant Classification Process June 2021. Collection method: clinical testing. Allele origin: germline. Affected: yes.
Comment: Not observed at significant frequency in large population cohorts (gnomAD); In silico analysis supports that this missense variant has a deleterious effect on protein structure/function; Has not been previously published as pathogenic or benign to our knowledge